The following is an entry in ClinVar:

NM_001379500.1(COL18A1):c.107-11982G>A

Gene: COL18A1 (collagen type XVIII alpha 1 chain; plus strand). Cytogenetic location: 21q22.3.
Variant type: single nucleotide variant.
Coding change: c.107-11982G>A on transcript NM_001379500.1 (MANE Select); 11982 bases into the intron before coding-DNA position 107, G replaced by A.
Molecular consequence: intron variant. On other transcripts: missense variant (1).
Genome position (GRCh38, 1-based): chr21:45,456,260, G>A. VCF-style: chr21-45456260-G-A. GRCh37 (hg19) VCF-style: chr21-46876174-G-A.
Other names: c.730G>A, p.Ala244Thr (NM_130444.3); c.646+84G>A (NM_030582.4); short protein forms A244T.
Identifiers: ClinVar variation 2634893 (VCV002634893.1), dbSNP rs756222197, ClinGen allele CA10065559.
Genomic context (GRCh38, chr21:45,456,260, plus strand): 5'-CTGGGCGGGGCCCCTCCCTGGGGAAGCCTGCAGGACCCAGACAGCCAAGGACTCTCGCCC[G>A]CCGCAGCCGCTCCCAGCCAGCAGCTCCAACGCCCTGACGTCCGCCTGCGCACGCCACTTC-3'

ClinVar aggregate classification (germline): Uncertain significance (1 of 4 stars; one submission).

Conditions:
COL18A1-related disorder. Also called: COL18A1-related disorders; COL18A1-related condition.

Allele frequency attached by ClinVar (database versions not stated): ExAC 0.00010; gnomAD 0.00011; TOPMed 0.00011.
gnomAD v4.1: 205 of 1,580,700 alleles (0.013%); highest among the groups gnomAD compares: Middle Eastern, 0.017%; 1 homozygote.

Submission:

PreventionGenetics, part of Exact Sciences
Classification: Uncertain significance for COL18A1-related condition. Last evaluated: 2023-04-24. Review status: criteria provided, single submitter. Criteria: ACMG Guidelines, 2015. Collection method: clinical testing. Allele origin: germline.
Comment: The COL18A1 c.730G>A variant is predicted to result in the amino acid substitution p.Ala244Thr. To our knowledge, this variant has not been reported in the literature. This variant is reported in 0.024% of alleles in individuals of European (Non-Finnish) descent in gnomAD. At this time, the clinical significance of this variant is uncertain due to the absence of conclusive functional and genetic evidence.